The following is an entry in ClinVar:

NM_020706.2(SCAF4):c.1458A>C (p.Lys486Asn)

Gene: SCAF4 (SR-related CTD associated factor 4; minus strand). Cytogenetic location: 21q22.11.
Variant type: single nucleotide variant.
Coding change: c.1458A>C on transcript NM_020706.2 (MANE Select); coding-DNA position 1458, A replaced by C.
Protein change: p.Lys486Asn; replaces lysine 486 with asparagine.
Molecular consequence: missense variant.
Genome position (GRCh38, 1-based): chr21:31,693,349, T>G on the plus strand (A>C on the coding strand, the complement: SCAF4 is on the minus strand). VCF-style: chr21-31693349-T-G. GRCh37 (hg19) VCF-style: chr21-33065662-T-G.
Other names: c.1413A>C, p.Lys471Asn (NM_001145444.1); c.1458A>C, p.Lys486Asn (NM_001145445.1); short protein forms K471N, K486N.
Identifiers: ClinVar variation 4681102 (VCV004681102.1).
Genomic context (GRCh38, chr21:31,693,349, plus strand): 5'-GTTACCACTTGCAGTTTCCGGTTTCACTTGAGGGAGGCCTTTTTGTCGACGTTCTCTCTC[T>G]TTTTCTCGATCCCGTCTTTCTTGAGATCGAGATCGGGGAGAATGTCGGCGTCTATCCCTG-3'
Protein context (NP_065757.1, residues 476-496): SRSQERRDRE[Lys486Asn]ERERRQKGLP

ClinVar aggregate classification (germline): Uncertain significance (1 of 4 stars; one submission).

Submission:

GeneDx
Classification: Uncertain significance. Last evaluated: 2025-06-30. Review status: criteria provided, single submitter. Criteria: GeneDx Variant Classification Process June 2021. Collection method: clinical testing. Allele origin: germline. Affected: yes.
Comment: Not observed at significant frequency in large population cohorts (gnomAD); In silico analysis supports that this missense variant has a deleterious effect on protein structure/function; Has not been previously published as pathogenic or benign to our knowledge